The following is an entry in ClinVar:

ClinVar aggregate classification (germline): Pathogenic (1 of 4 stars; one submission).

Conditions:
Joubert syndrome. Also called: Familial aplasia of the vermis; JOUBERT-BOLTSHAUSER SYNDROME; CEREBELLOPARENCHYMAL DISORDER IV. Identifiers: Orphanet 475, MedGen C5979921, MONDO:0018772.

gnomAD v4.1: 1 of 1,613,584 alleles (0.000062%); highest among the groups gnomAD compares: Non-Finnish European, 0.000085%; no homozygotes.

Submission:

Natera, Inc.
Classification: Pathogenic for Joubert syndrome. Last evaluated: 2025-07-02. Review status: criteria provided, single submitter. Criteria: Natera Variant Classification Schema (03/2026). Collection method: clinical testing. Allele origin: germline.
Comment: The c.2304+2T>C variant in RPGRIP1L is a canonical splice donor site variant predicted to affect pre-mRNA splicing, which may result in an abnormal transcript and altered protein product. This variant is expected to result in nonsense mediated decay, truncation, or a dysfunctional protein product. This variant is rare in the general population with a frequency below the threshold expected for the associated phenotype(s). Another variant at this same site results in an alteration predicted to cause a similar molecular effect has been observed in individual(s) with the associated phenotype. Given the available evidence, this variant is classified as Pathogenic.

NM_015272.5(RPGRIP1L):c.2304+2T>C

Gene: RPGRIP1L (RPGRIP1 like; minus strand). Cytogenetic location: 16q12.2.
Variant type: single nucleotide variant.
Coding change: c.2304+2T>C on transcript NM_015272.5 (MANE Select); the canonical splice donor site of the intron after coding-DNA position 2304, T replaced by C.
Molecular consequence: splice donor variant.
Genome position (GRCh38, 1-based): chr16:53,648,962, A>G on the plus strand (T>C on the coding strand, the complement: RPGRIP1L is on the minus strand). VCF-style: chr16-53648962-A-G. GRCh37 (hg19) VCF-style: chr16-53682874-A-G.
Other names: c.2304+2T>C (NM_001127897.4, NM_001330538.2, NM_001308334.3).
Identifiers: ClinVar variation 4815836 (VCV004815836.1).